The following is an entry in ClinVar:

ClinVar aggregate classification (germline): Uncertain significance. Review status: criteria provided, multiple submitters, no conflicts (2 of 4 stars). 5 submissions from 5 submitters: Uncertain significance (5). Last evaluated 2025-08-27.

Conditions:
Familial adenomatous polyposis 1 (FAP1). Also called: FAMILIAL ADENOMATOUS POLYPOSIS 1, ATTENUATED; POLYPOSIS, ADENOMATOUS INTESTINAL. Identifiers: MedGen C2713442, MONDO:0021056, OMIM 175100. Disease mechanism: loss of function.
Desmoid disease, hereditary (DESMD). Also called: FIBROMATOSIS, FAMILIAL INFILTRATIVE. Identifiers: Orphanet 873, MedGen C1851124, OMIM 135290. Disease mechanism: loss of function.
Gastric adenocarcinoma and proximal polyposis of the stomach (GAPPS). Also called: Gastric Adenocarcinoma and Proximal Polyposis of the Stomach (GAPPS); Polyposis, gastric, Dos Santos and de Magalhaes 1980; POLYPOSIS, GASTRIC. Identifiers: Orphanet 314022, MedGen C4749917, MONDO:0017790, OMIM 619182.
Hepatocellular carcinoma (HCC). Also called: Primary carcinoma of liver; HEPATOMA; LIVER CELL CARCINOMA. Identifiers: Orphanet 88673, MedGen C2239176, MONDO:0007256, OMIM 114550, HP:0001402.
Colorectal cancer. Also called: Colorectal cancer, somatic; Malignant Colorectal Neoplasm. Identifiers: MedGen C0346629, MONDO:0005575, OMIM 114500.
Gastric cancer. Also called: Malignant tumor of stomach; Stomach cancer. Identifiers: MedGen C0024623, MeSH D013274, MONDO:0001056, OMIM 613659, HP:0012126.
Classic or attenuated familial adenomatous polyposis. Identifiers: MedGen CN372698, MONDO:0021057.
Hereditary cancer-predisposing syndrome. Also called: Tumor predisposition; Neoplastic Syndromes, Hereditary; Hereditary neoplastic syndrome; Hereditary Cancer Syndrome. Identifiers: Orphanet 140162, MedGen C0027672, MeSH D009386, MONDO:0015356.

Submissions (5):

Color Diagnostics, LLC DBA Color Health
Classification: Uncertain significance for Hereditary cancer-predisposing syndrome. Last evaluated: 2025-08-27. Review status: criteria provided, single submitter. Criteria: ACMG Guidelines, 2015. Collection method: clinical testing. Allele origin: germline.
Comment: This missense variant replaces threonine with isoleucine at codon 1258 of the APC protein. Computational prediction suggests that this variant may not impact protein structure and function. APC is defined as a gene for which primarily truncating variants are known to cause disease (ClinGen HCCP VCEP). To our knowledge, functional studies have not been reported for this variant. This variant has not been reported in individuals affected with APC-related disorders in the literature. This variant has not been identified in the general population by the Genome Aggregation Database (gnomAD). The available evidence is insufficient to determine the role of this variant in disease conclusively. Therefore, this variant is classified as a Variant of Uncertain Significance.

Ambry Genetics
Classification: Uncertain significance for Hereditary cancer-predisposing syndrome. Last evaluated: 2025-03-27. Review status: criteria provided, single submitter. Criteria: Ambry Variant Classification Scheme 2023. Collection method: clinical testing. Allele origin: germline.
Comment: The p.T1258I variant (also known as c.3773C>T), located in coding exon 15 of the APC gene, results from a C to T substitution at nucleotide position 3773. The threonine at codon 1258 is replaced by isoleucine, an amino acid with similar properties. This amino acid position is well conserved in available vertebrate species. In addition, in silico predictors for this gene do not accurately predict pathogenicity. Missense alterations in APC are not a common cause of disease (Spier I et al. Genet Med. 2024 Feb;26(2):100992). Based on the available evidence, the clinical significance of this variant remains unclear.

Fulgent Genetics
Classification: Uncertain significance for Colorectal cancer; Hepatocellular carcinoma; Desmoid disease, hereditary; Familial adenomatous polyposis 1; Gastric cancer; Gastric adenocarcinoma and proximal polyposis of the stomach. Last evaluated: 2024-06-20. Review status: criteria provided, single submitter. Criteria: ACMG Guidelines, 2015. Collection method: clinical testing. Allele origin: germline.

Labcorp Genetics (formerly Invitae), Labcorp
Classification: Uncertain significance for Familial adenomatous polyposis 1. Last evaluated: 2023-12-27. Review status: criteria provided, single submitter. Criteria: Invitae Variant Classification Sherloc (09022015). Collection method: clinical testing. Allele origin: germline.
Comment: This sequence change replaces threonine, which is neutral and polar, with isoleucine, which is neutral and non-polar, at codon 1258 of the APC protein (p.Thr1258Ile). This variant is not present in population databases (gnomAD no frequency). This variant has not been reported in the literature in individuals affected with APC-related conditions. ClinVar contains an entry for this variant (Variation ID: 1056695). Advanced modeling of protein sequence and biophysical properties (such as structural, functional, and spatial information, amino acid conservation, physicochemical variation, residue mobility, and thermodynamic stability) performed at Invitae indicates that this missense variant is not expected to disrupt APC protein function with a negative predictive value of 95%. In summary, the available evidence is currently insufficient to determine the role of this variant in disease. Therefore, it has been classified as a Variant of Uncertain Significance.

All of Us Research Program, National Institutes of Health
Classification: Uncertain significance for Classic or attenuated familial adenomatous polyposis. Last evaluated: 2023-04-03. Review status: criteria provided, single submitter. Criteria: ACMG Guidelines, 2015. Collection method: clinical testing. Allele origin: germline. Inheritance: Autosomal dominant inheritance. Observed: 1 variant allele, 1 heterozygote.
Comment: This missense variant replaces threonine with isoleucine at codon 1258 of the APC protein. Computational prediction suggests that this variant may not impact protein structure and function (internally defined REVEL score threshold <= 0.5, PMID: 27666373). To our knowledge, functional studies have not been reported for this variant. This variant has not been reported in individuals affected with APC-related disorders in the literature. This variant has not been identified in the general population by the Genome Aggregation Database (gnomAD). The available evidence is insufficient to determine the role of this variant in disease conclusively. Therefore, this variant is classified as a Variant of Uncertain Significance.

This study involves interpretation of variants in research participants for the purpose of population health screening. Participant phenotype was not available at the time of variant classification. Additional details can be found in publication PMID: 35346344, PMCID: PMC8962531

NM_000038.6(APC):c.3773C>T (p.Thr1258Ile)

Gene: APC (APC regulator of Wnt signaling pathway; plus strand). Cytogenetic location: 5q22.2.
Variant type: single nucleotide variant.
Coding change: c.3773C>T on transcript NM_000038.6 (MANE Select); coding-DNA position 3773, C replaced by T.
Protein change: p.Thr1258Ile; replaces threonine 1258 with isoleucine.
Molecular consequence: missense variant.
Genome position (GRCh38, 1-based): chr5:112,839,367, C>T. VCF-style: chr5-112839367-C-T. GRCh37 (hg19) VCF-style: chr5-112175064-C-T.
Other names: c.3773C>T, p.Thr1258Ile (NM_001127510.3, NM_001354895.2); c.3719C>T, p.Thr1240Ile (NM_001127511.3); c.3827C>T, p.Thr1276Ile (NM_001354896.2); c.3803C>T, p.Thr1268Ile (NM_001354897.2); c.3698C>T, p.Thr1233Ile (NM_001354898.2); c.3689C>T, p.Thr1230Ile (NM_001354899.2); c.3650C>T, p.Thr1217Ile (NM_001354900.2); c.3596C>T, p.Thr1199Ile (NM_001354901.2); and 5 more; short protein forms T1098I, T1132I, T1157I, T1167I, T1199I, T1217I, T1230I, T1233I.
Identifiers: ClinVar variation 1056695 (VCV001056695.15), dbSNP rs1765517499, ClinGen allele CA16029610.
Genomic context (GRCh38, chr5:112,839,367, plus strand): 5'-GTAGAAGTGGTCAGCCTCAAAAGGCTGCCACTTGCAAAGTTTCTTCTATTAACCAAGAAA[C>T]AATACAGACTTATTGTGTAGAAGATACTCCAATATGTTTTTCAAGATGTAGTTCATTATC-3'
Protein context (NP_000029.2, residues 1248-1268): TCKVSSINQE[Thr1258Ile]IQTYCVEDTP